The following is an entry in ClinVar:

ClinVar aggregate classification (germline): Uncertain significance (0 of 4 stars; one submission).

Conditions:
PLCE1-related disorder. Also called: PLCE1-related condition.

Submission:

PreventionGenetics, part of Exact Sciences
Classification: Uncertain significance for PLCE1-related condition. Last evaluated: 2023-12-05. Review status: no assertion criteria provided. Collection method: clinical testing. Allele origin: germline.
Comment: The PLCE1 c.67G>T variant is predicted to result in the amino acid substitution p.Val23Leu. Of note, this variant is also reported as c.1207-43013G>T (deep intronic) with the more commonly reported isoform NM_01634. To our knowledge, this variant has not been reported in the literature or in a large population database, indicating this variant is rare. At this time, the clinical significance of this variant is uncertain due to the absence of conclusive functional and genetic evidence.

NM_016341.4(PLCE1):c.1207-43013G>T

Genes: PLCE1 (phospholipase C epsilon 1; plus strand), PLCE1-AS2 (PLCE1 antisense RNA 2; minus strand). Cytogenetic location: 10q23.33.
Variant type: single nucleotide variant.
Coding change: c.1207-43013G>T on transcript NM_016341.4 (MANE Select); 43013 bases into the intron before coding-DNA position 1207, G replaced by T.
Molecular consequence: intron variant. On other transcripts: missense variant (1).
Genome position (GRCh38, 1-based): chr10:94,089,161, G>T. VCF-style: chr10-94089161-G-T. GRCh37 (hg19) VCF-style: chr10-95848918-G-T.
Other names: c.67G>T, p.Val23Leu (NM_001165979.2); c.1207-43013G>T (NM_001288989.2); short protein forms V23L.
Identifiers: ClinVar variation 3042887 (VCV003042887.2), dbSNP rs144179807, ClinGen allele CA377638302.
Genomic context (GRCh38, chr10:94,089,161, plus strand): 5'-TCAGAAGGAAGTGCAGCAGGAAGAGACTTTGCAGGAATGGAAGAGGTGAGGCAGCTCCAC[G>T]TGAGATTCTGCAAAGGGATTAAGATTTGGCACCAGGCTTGGTTTCTGTGCAGCCTCTTAG-3'